The following is an entry in ClinVar:

ClinVar aggregate classification (germline): Uncertain significance (1 of 4 stars; one submission).

Conditions:
Severe combined immunodeficiency due to DCLRE1C deficiency (RS-SCID). Also called: SCID, AUTOSOMAL RECESSIVE, T CELL-NEGATIVE, B CELL-NEGATIVE, NK CELL-POSITIVE, WITH SENSITIVITY TO IONIZING RADIATION. Identifiers: Orphanet 275, MedGen C1865371, MONDO:0011225, OMIM 602450.

Submission:

Labcorp Genetics (formerly Invitae), Labcorp
Classification: Uncertain significance for Athabaskan severe combined immunodeficiency. Last evaluated: 2021-06-19. Review status: criteria provided, single submitter. Criteria: Invitae Variant Classification Sherloc (09022015). Collection method: clinical testing. Allele origin: germline.
Comment: In summary, the available evidence is currently insufficient to determine the role of this variant in disease. Therefore, it has been classified as a Variant of Uncertain Significance. Algorithms developed to predict the effect of missense changes on protein structure and function (SIFT, PolyPhen-2, Align-GVGD) all suggest that this variant is likely to be tolerated, but these predictions have not been confirmed by published functional studies and their clinical significance is uncertain. This variant has not been reported in the literature in individuals with DCLRE1C-related conditions. This variant is not present in population databases (ExAC no frequency). This sequence change replaces valine with alanine at codon 352 of the DCLRE1C protein (p.Val352Ala). The valine residue is weakly conserved and there is a small physicochemical difference between valine and alanine.

NM_001033855.3(DCLRE1C):c.1055T>C (p.Val352Ala)

Gene: DCLRE1C (DNA cross-link repair 1C; minus strand). Cytogenetic location: 10p13.
Variant type: single nucleotide variant.
Coding change: c.1055T>C on transcript NM_001033855.3 (MANE Select); coding-DNA position 1055, T replaced by C.
Protein change: p.Val352Ala; replaces valine 352 with alanine.
Molecular consequence: missense variant. On other transcripts: non-coding transcript variant (4).
Genome position (GRCh38, 1-based): chr10:14,922,987, A>G on the plus strand (T>C on the coding strand, the complement: DCLRE1C is on the minus strand). VCF-style: chr10-14922987-A-G. GRCh37 (hg19) VCF-style: chr10-14964986-A-G.
Other names: c.695T>C, p.Val232Ala (NM_001033857.3, NM_001033858.3, NM_001289077.2 and 2 more transcripts); c.710T>C, p.Val237Ala (NM_001289076.2, NM_001289078.2, NM_001350966.2 and 1 more transcripts); c.1055T>C, p.Val352Ala (NM_001350965.2); short protein forms V232A, V237A, V352A.
Identifiers: ClinVar variation 1514218 (VCV001514218.8), dbSNP rs752942378, ClinGen allele CA376055480.
Genomic context (GRCh38, chr10:14,922,987, plus strand): 5'-CTAGCCAAGAGCCACCAAGGGGGACACCAAGTCCCACAACCAGTGACTACTCACATTTCG[A>G]CAACTTTATCCATAGTTGTGCCAACTGGAATGACATTTGGATATGCGTTCACAGGACAGA-3'
Protein context (NP_001029027.1, residues 342-362): IPVGTTMDKV[Val352Ala]EILKPLCRSS